The following is an entry in ClinVar:

NM_000057.4(BLM):c.1243G>C (p.Asp415His)

Gene: BLM (BLM RecQ like helicase; plus strand). Cytogenetic location: 15q26.1.
Variant type: single nucleotide variant.
Coding change: c.1243G>C on transcript NM_000057.4 (MANE Select); coding-DNA position 1243, G replaced by C.
Protein change: p.Asp415His; replaces aspartic acid 415 with histidine.
Molecular consequence: missense variant.
Genome position (GRCh38, 1-based): chr15:90,760,616, G>C. VCF-style: chr15-90760616-G-C. GRCh37 (hg19) VCF-style: chr15-91303846-G-C.
Other names: c.1243G>C, p.Asp415His (NM_001287246.2, NM_001287247.2); c.118G>C, p.Asp40His (NM_001287248.2); short protein forms D40H, D415H.
Identifiers: ClinVar variation 1719938 (VCV001719938.8), dbSNP rs2151157786, ClinGen allele CA393842631.

ClinVar aggregate classification (germline): Uncertain significance. Review status: criteria provided, multiple submitters, no conflicts (2 of 4 stars). 3 submissions from 3 submitters: Uncertain significance (3). Last evaluated 2025-05-05.

Conditions:
Hereditary cancer-predisposing syndrome. Also called: Hereditary neoplastic syndrome; Neoplastic Syndromes, Hereditary; Hereditary Cancer Syndrome; Tumor predisposition. Identifiers: Orphanet 140162, MedGen C0027672, MeSH D009386, MONDO:0015356.
Bloom syndrome (BLM). Also called: Bloom-Torre-Machacek syndrome. Identifiers: Orphanet 125, MedGen C0005859, MONDO:0008876, OMIM 210900.

Submissions (3):

Women's Health and Genetics/Laboratory Corporation of America, LabCorp
Classification: Uncertain significance. Last evaluated: 2025-05-05. Review status: criteria provided, single submitter. Criteria: LabCorp Variant Classification Summary - May 2015. Collection method: clinical testing. Allele origin: germline.

Ambry Genetics
Classification: Uncertain significance for Hereditary cancer-predisposing syndrome. Last evaluated: 2024-10-27. Review status: criteria provided, single submitter. Criteria: Ambry Variant Classification Scheme 2023. Collection method: clinical testing. Allele origin: germline.
Comment: The p.D415H variant (also known as c.1243G>C), located in coding exon 6 of the BLM gene, results from a G to C substitution at nucleotide position 1243. The aspartic acid at codon 415 is replaced by histidine, an amino acid with similar properties. This amino acid position is conserved. In addition, this alteration is predicted to be tolerated by in silico analysis. Based on the available evidence, the clinical significance of this variant remains unclear.

Labcorp Genetics (formerly Invitae), Labcorp
Classification: Uncertain significance for Bloom syndrome. Last evaluated: 2023-05-09. Review status: criteria provided, single submitter. Criteria: Invitae Variant Classification Sherloc (09022015). Collection method: clinical testing. Allele origin: germline.
Comment: In summary, the available evidence is currently insufficient to determine the role of this variant in disease. Therefore, it has been classified as a Variant of Uncertain Significance. Advanced modeling of protein sequence and biophysical properties (such as structural, functional, and spatial information, amino acid conservation, physicochemical variation, residue mobility, and thermodynamic stability) performed at Invitae indicates that this missense variant is not expected to disrupt BLM protein function. ClinVar contains an entry for this variant (Variation ID: 1719938). This variant has not been reported in the literature in individuals affected with BLM-related conditions. This variant is not present in population databases (gnomAD no frequency). This sequence change replaces aspartic acid, which is acidic and polar, with histidine, which is basic and polar, at codon 415 of the BLM protein (p.Asp415His).